The following is an entry in ClinVar:

ClinVar aggregate classification (germline): not provided (0 of 4 stars; one submission).

Allele frequency attached by ClinVar (database versions not stated): ESP Exome Variant Server 0.00008; gnomAD 0.00011 and 0.00012; gnomAD exomes 0.00015 and 0.00022; ExAC 0.00018; TOPMed 0.00020.

Submission:

Human Evolutionary Genetics, Institut Pasteur
No classification provided. Review status: no classification provided. Collection method: not provided. Allele origin: germline.
ClinVar note: Converted during submission from untested to not provided.

NM_001282144.2(NLRX1):c.2579G>A (p.Arg860Gln)

Gene: NLRX1 (NLR family member X1; plus strand). Cytogenetic location: 11q23.3.
Variant type: single nucleotide variant.
Coding change: c.2579G>A on transcript NM_001282144.2 (MANE Select); coding-DNA position 2579, G replaced by A.
Protein change: p.Arg860Gln; replaces arginine 860 with glutamine.
Molecular consequence: missense variant.
Genome position (GRCh38, 1-based): chr11:119,182,318, G>A. VCF-style: chr11-119182318-G-A. GRCh37 (hg19) VCF-style: chr11-119053027-G-A.
Other names: c.2579G>A, p.Arg860Gln (NM_001282143.2, NM_001282358.2, NM_024618.4); short protein forms R860Q.
Identifiers: ClinVar variation 103144 (VCV000103144.2), dbSNP rs199476053, ClinGen allele CA230181.